The following is an entry in ClinVar:

NM_006017.3(PROM1):c.1234T>G (p.Tyr412Asp)

Gene: PROM1 (prominin 1; minus strand). Cytogenetic location: 4p15.32.
Variant type: single nucleotide variant.
Coding change: c.1234T>G on transcript NM_006017.3 (MANE Select); coding-DNA position 1234, T replaced by G.
Protein change: p.Tyr412Asp; replaces tyrosine 412 with aspartic acid.
Molecular consequence: missense variant.
Genome position (GRCh38, 1-based): chr4:16,009,016, A>C on the plus strand (T>G on the coding strand, the complement: PROM1 is on the minus strand). VCF-style: chr4-16009016-A-C. GRCh37 (hg19) VCF-style: chr4-16010639-A-C.
Other names: c.1207T>G, p.Tyr403Asp (NM_001145847.2, NM_001145848.2, NM_001145851.2 and 4 more transcripts); c.1234T>G, p.Tyr412Asp (NM_001145849.2, NM_001145850.2); short protein forms Y403D, Y412D.
Identifiers: ClinVar variation 3390284 (VCV003390284.14).
Genomic context (GRCh38, chr4:16,009,016, plus strand): 5'-AATCATACTCTTCCAATGTAGGTAAATTTCTGTGGATGTAACTTTCAGTGTTATTAACAT[A>C]AACAGAGAATGCTGAGAGTATATCCTGAATAGGAAGACGCTGAGTTACATTGTCGATATC-3'
Protein context (NP_006008.1, residues 402-422): IQDILSAFSV[Tyr412Asp]VNNTESYIHR

ClinVar aggregate classification (germline): Uncertain significance (1 of 4 stars; one submission).

gnomAD v4.1: 1 of 1,595,824 alleles (0.000063%); highest among the groups gnomAD compares: Middle Eastern, 0.017%; no homozygotes.

Submission:

CeGaT Center for Human Genetics Tuebingen
Classification: Uncertain significance. Last evaluated: 2024-09-01. Review status: criteria provided, single submitter. Criteria: CeGaT Center For Human Genetics Tuebingen Variant Classification Criteria Version 2. Collection method: clinical testing. Allele origin: germline. Affected: yes. Observed: 1 variant allele.
Comment: PROM1: PM2